The following is an entry in ClinVar:

NM_001903.5(CTNNA1):c.2714G>A (p.Ser905Asn)

Gene: CTNNA1 (catenin alpha 1; plus strand). Cytogenetic location: 5q31.2.
Variant type: single nucleotide variant.
Coding change: c.2714G>A on transcript NM_001903.5 (MANE Select); coding-DNA position 2714, G replaced by A.
Protein change: p.Ser905Asn; replaces serine 905 with asparagine.
Molecular consequence: missense variant. On other transcripts: 3 prime UTR variant (5).
Genome position (GRCh38, 1-based): chr5:138,934,082, G>A. VCF-style: chr5-138934082-G-A. GRCh37 (hg19) VCF-style: chr5-138269771-G-A.
Other names: c.*259G>A (NM_001290307.3, NM_001324002.1, NM_001324003.1 and 2 more transcripts); c.2405G>A, p.Ser802Asn (NM_001290309.3); c.2345G>A, p.Ser782Asn (NM_001290310.3); c.1604G>A, p.Ser535Asn (NM_001290312.1, NM_001323987.1, NM_001323988.1 and 12 more transcripts); c.2714G>A, p.Ser905Asn (NM_001323982.2, NM_001323983.1, NM_001323984.2); c.2687G>A, p.Ser896Asn (NM_001323985.2); c.2621G>A, p.Ser874Asn (NM_001323986.2); c.1469G>A, p.Ser490Asn (NM_001324001.1); and 4 more; short protein forms S905N, S422N, S454N, S504N, S874N, S896N, S782N, S802N.
Identifiers: ClinVar variation 415351 (VCV000415351.22), dbSNP rs756360361, ClinGen allele CA3432290.

ClinVar aggregate classification (germline): Conflicting classifications of pathogenicity. Review status: criteria provided, conflicting classifications (1 of 4 stars). 7 submissions from 7 submitters: Uncertain significance (1); Likely benign (5). 1 of the submissions does not count toward it. Last evaluated 2026-01-26.

Conditions:
Patterned macular dystrophy 2. Identifiers: Orphanet 99001, MedGen C1837029, MONDO:0012162, OMIM 608970.
CTNNA1-related disorder. Also called: CTNNA1-related condition.
Hereditary cancer-predisposing syndrome. Also called: Tumor predisposition; Hereditary Cancer Syndrome; Hereditary neoplastic syndrome; Neoplastic Syndromes, Hereditary. Identifiers: Orphanet 140162, MedGen C0027672, MeSH D009386, MONDO:0015356.

Allele frequency attached by ClinVar (database versions not stated): gnomAD 0.00006; gnomAD exomes 0.00007 and 0.00031; TOPMed 0.00017; ExAC 0.00019.
gnomAD v4.1: 101 of 1,611,278 alleles (0.0063%); highest among the groups gnomAD compares: Admixed American, 0.17%; no homozygotes.

Submissions (7):

Labcorp Genetics (formerly Invitae), Labcorp
Classification: Likely benign. Last evaluated: 2026-01-26. Review status: criteria provided, single submitter. Criteria: Invitae Variant Classification Sherloc (09022015). Collection method: clinical testing. Allele origin: germline.

GeneDx
Classification: Uncertain significance. Last evaluated: 2024-12-26. Review status: criteria provided, single submitter. Criteria: GeneDx Variant Classification Process June 2021. Collection method: clinical testing. Allele origin: germline. Affected: yes.
Comment: In silico analysis indicates that this missense variant does not alter protein structure/function; Has not been previously published as pathogenic or benign to our knowledge

Blueprint Genetics
Classification: Likely benign. Last evaluated: 2022-09-07. Review status: criteria provided, single submitter. Criteria: ACMG Guidelines, 2015. Collection method: clinical testing. Allele origin: germline.

Fulgent Genetics
Classification: Likely benign for Patterned macular dystrophy 2. Last evaluated: 2022-03-03. Review status: criteria provided, single submitter. Criteria: ACMG Guidelines, 2015. Collection method: clinical testing. Allele origin: unknown.

Ambry Genetics
Classification: Likely benign for Hereditary cancer-predisposing syndrome. Last evaluated: 2019-11-15. Review status: criteria provided, single submitter. Criteria: Ambry Variant Classification Scheme 2023. Collection method: clinical testing. Allele origin: germline.

Breakthrough Genomics
Classification: Likely benign. Review status: criteria provided, single submitter. Criteria: ACMG Guidelines, 2015. Collection method: not provided. Allele origin: germline. Inheritance: Autosomal dominant inheritance. Affected: yes.

PreventionGenetics, part of Exact Sciences
Classification: Likely benign for CTNNA1-related condition. Last evaluated: 2024-06-12. Review status: no assertion criteria provided. Collection method: clinical testing. Allele origin: germline. Not counted in ClinVar's aggregate classification.
Comment: This variant is classified as likely benign based on ACMG/AMP sequence variant interpretation guidelines (Richards et al. 2015 PMID: 25741868, with internal and published modifications).